The following is an entry in ClinVar:

NM_007294.4(BRCA1):c.1525A>T (p.Thr509Ser)

Gene: BRCA1 (BRCA1 DNA repair associated; minus strand). Cytogenetic location: 17q21.31.
Variant type: single nucleotide variant.
Coding change: c.1525A>T on transcript NM_007294.4 (MANE Select); coding-DNA position 1525, A replaced by T.
Protein change: p.Thr509Ser; replaces threonine 509 with serine.
Molecular consequence: missense variant. On other transcripts: intron variant (137).
Genome position (GRCh38, 1-based): chr17:43,094,006, T>A on the plus strand (A>T on the coding strand, the complement: BRCA1 is on the minus strand). VCF-style: chr17-43094006-T-A. GRCh37 (hg19) VCF-style: chr17-41246023-T-A.
Other names: c.787+738A>T (NM_001407968.1, NM_001407973.1, NM_001408403.1 and 19 more transcripts); c.577+738A>T (NM_001408492.1, NM_001408513.1, NM_001408489.1 and 9 more transcripts); c.643+738A>T (NM_001408468.1, NM_001408465.1, NM_001408463.1 and 3 more transcripts); c.523+738A>T (NM_001408501.1, NM_001408500.1, NM_001408497.1 and 3 more transcripts); c.646+738A>T (NM_001408455.1, NM_001408466.1, NM_001408452.1 and 11 more transcripts); c.520+738A>T (NM_001408503.1, NM_001408505.1, NM_001408504.1); c.404-2974A>T (NM_001408511.1); c.460+1840A>T (NM_001408507.1, NM_001408506.1); and 40 more; short protein forms T213S, T381S, T382S, T421S, T461S, T482S, T438S, T441S.
Identifiers: ClinVar variation 2816159 (VCV002816159.3), dbSNP rs1238203770, ClinGen allele CA10598996.

ClinVar aggregate classification (germline): Uncertain significance (1 of 4 stars; one submission).

Conditions:
Hereditary breast ovarian cancer syndrome. Also called: Hereditary breast and ovarian cancer; BRCA1- and BRCA2-Associated Hereditary Breast and Ovarian Cancer; Hereditary breast and ovarian cancer syndrome; Breast and ovarian cancer; Hereditary breast and ovarian cancer syndrome (HBOC); Hereditary breast and/or ovarian cancer syndrome. Identifiers: Orphanet 145, MedGen C0677776, MeSH D061325, MONDO:0003582. Disease mechanism: loss of function.

Submission:

Labcorp Genetics (formerly Invitae), Labcorp
Classification: Uncertain significance for Hereditary breast ovarian cancer syndrome. Last evaluated: 2022-11-23. Review status: criteria provided, single submitter. Criteria: Invitae Variant Classification Sherloc (09022015). Collection method: clinical testing. Allele origin: germline.
Comment: This sequence change replaces threonine, which is neutral and polar, with serine, which is neutral and polar, at codon 509 of the BRCA1 protein (p.Thr509Ser). This variant is not present in population databases (gnomAD no frequency). This variant has not been reported in the literature in individuals affected with BRCA1-related conditions. Advanced modeling of protein sequence and biophysical properties (such as structural, functional, and spatial information, amino acid conservation, physicochemical variation, residue mobility, and thermodynamic stability) performed at Invitae indicates that this missense variant is not expected to disrupt BRCA1 protein function. In summary, the available evidence is currently insufficient to determine the role of this variant in disease. Therefore, it has been classified as a Variant of Uncertain Significance.